The following is an entry in ClinVar:

NM_001163809.2(WDR81):c.4795G>A (p.Asp1599Asn)

Gene: WDR81 (WD repeat domain 81; plus strand). Cytogenetic location: 17p13.3.
Variant type: single nucleotide variant.
Coding change: c.4795G>A on transcript NM_001163809.2 (MANE Select); coding-DNA position 4795, G replaced by A.
Protein change: p.Asp1599Asn; replaces aspartic acid 1599 with asparagine.
Molecular consequence: missense variant.
Genome position (GRCh38, 1-based): chr17:1,733,832, G>A. VCF-style: chr17-1733832-G-A. GRCh37 (hg19) VCF-style: chr17-1637126-G-A.
Other names: c.1186G>A, p.Asp396Asn (NM_001163673.2); c.1114G>A, p.Asp372Asn (NM_001163811.2); c.1642G>A, p.Asp548Asn (NM_152348.4); short protein forms D1599N, D372N, D396N, D548N.
Identifiers: ClinVar variation 1206585 (VCV001206585.5), dbSNP rs542416610, ClinGen allele CA8273668.

ClinVar aggregate classification (germline): Uncertain significance. Review status: criteria provided, multiple submitters, no conflicts (2 of 4 stars). 3 submissions from 3 submitters: Uncertain significance (3). Last evaluated 2024-06-04.

Conditions:
Inborn genetic diseases. Identifiers: MedGen C0950123, MeSH D030342.

Allele frequency attached by ClinVar (database versions not stated): ExAC 0.00007; gnomAD 0.00009 and 0.00011; gnomAD exomes 0.00009; TOPMed 0.00011.

Submissions (3):

Blueprint Genetics
Classification: Uncertain significance. Last evaluated: 2024-06-04. Review status: criteria provided, single submitter. Criteria: ACMG Guidelines, 2015. Collection method: clinical testing. Allele origin: germline.

Ambry Genetics
Classification: Uncertain significance for Inborn genetic diseases. Last evaluated: 2024-04-08. Review status: criteria provided, single submitter. Criteria: Ambry Variant Classification Scheme 2023. Collection method: clinical testing. Allele origin: germline.

GeneDx
Classification: Uncertain significance. Last evaluated: 2019-05-17. Review status: criteria provided, single submitter. Criteria: GeneDx Variant Classification Process June 2021. Collection method: clinical testing. Allele origin: germline. Affected: yes.
Comment: Not observed at a significant frequency in large population cohorts (Lek et al., 2016); In silico analysis, which includes protein predictors and evolutionary conservation, supports that this variant does not alter protein structure/function; Has not been previously published as pathogenic or benign to our knowledge